The following is an entry in ClinVar:

Conditions:
Breast-ovarian cancer, familial, susceptibility to, 1 (BROVCA1). Also called: BRCA1 Hereditary Breast and Ovarian Cancer; OVARIAN CANCER, SUSCEPTIBILITY TO. Identifiers: Orphanet 145, MedGen C2676676, MONDO:0011450, OMIM 604370. Disease mechanism: loss of function.

Submission:

Brotman Baty Institute, University of Washington
No classification provided (evidence only). Condition: Breast-ovarian cancer, familial 1. Review status: no classification provided. Collection method: in vitro. Allele origin: not applicable. Functional consequence: functionally_abnormal.
ClinVar note: "not provided" was previously submitted as the classification for the variant. However, the classification appeared to be based only on an observation of functional data so it was converted to no classification on 2025-07-30.

NM_007294.4(BRCA1):c.5543A>C (p.Gln1848Pro)

Gene: BRCA1 (BRCA1 DNA repair associated; minus strand). Cytogenetic location: 17q21.31.
Variant type: single nucleotide variant.
Coding change: c.5543A>C on transcript NM_007294.4 (MANE Select); coding-DNA position 5543, A replaced by C.
Protein change: p.Gln1848Pro; replaces glutamine 1848 with proline.
Molecular consequence: missense variant. On other transcripts: 3 prime UTR variant (1), non-coding transcript variant (1).
Genome position (GRCh38, 1-based): chr17:43,045,727, T>G on the plus strand (A>C on the coding strand, the complement: BRCA1 is on the minus strand). VCF-style: chr17-43045727-T-G. GRCh37 (hg19) VCF-style: chr17-41197744-T-G.
Other names: c.5330A>C, p.Gln1777Pro (NM_001407571.1, NM_001407894.1, NM_001407895.1 and 12 more transcripts); c.5609A>C, p.Gln1870Pro (NM_001407581.1, NM_001407582.1); c.5606A>C, p.Gln1869Pro (NM_001407583.1, NM_001407585.1, NM_001407587.1 and 1 more transcripts); c.5603A>C, p.Gln1868Pro (NM_001407590.1, NM_001407591.1); c.5543A>C, p.Gln1848Pro (NM_001407593.1, NM_001407594.1, NM_001407596.1 and 5 more transcripts); c.5540A>C, p.Gln1847Pro (NM_001407619.1, NM_001407620.1, NM_001407621.1 and 14 more transcripts); c.5537A>C, p.Gln1846Pro (NM_001407627.1, NM_001407638.1, NM_001407639.1 and 13 more transcripts); c.5534A>C, p.Gln1845Pro (NM_001407644.1, NM_001407645.1); and 74 more; short protein forms Q1801P, Q1869P, Q1848P, Q744P, Q1552P, Q1721P, Q1735P, Q1759P.
Identifiers: ClinVar variation 868640 (VCV000868640.3), dbSNP rs2050865445, ClinGen allele CA10590238.